The following is an entry in ClinVar:

ClinVar aggregate classification (germline): Pathogenic (1 of 4 stars; one submission).

Conditions:
Glycogen storage disease due to muscle and heart glycogen synthase deficiency. Also called: GSD 0b; MUSCLE GLYCOGEN SYNTHASE DEFICIENCY. Identifiers: Orphanet 137625, MedGen C1969054, MONDO:0012693, OMIM 611556.

Allele frequency attached by ClinVar (database versions not stated): gnomAD exomes below 0.00001; TOPMed below 0.00001.

Submission:

Labcorp Genetics (formerly Invitae), Labcorp
Classification: Pathogenic for Glycogen storage disease due to muscle and heart glycogen synthase deficiency. Last evaluated: 2020-10-07. Review status: criteria provided, single submitter. Criteria: Invitae Variant Classification Sherloc (09022015). Collection method: clinical testing. Allele origin: germline.
Comment: This sequence change creates a premature translational stop signal (p.Arg236Alafs*56) in the GYS1 gene. It is expected to result in an absent or disrupted protein product. This variant is not present in population databases (ExAC no frequency). This variant has not been reported in the literature in individuals with GYS1-related conditions. Loss-of-function variants in GYS1 are known to be pathogenic (PMID: 17928598, 19699667). For these reasons, this variant has been classified as Pathogenic.

Literature cited by the submitters: PubMed 17928598; PubMed 19699667.

NM_002103.5(GYS1):c.699_700del (p.Arg236fs)

Gene: GYS1 (glycogen synthase 1; minus strand). Cytogenetic location: 19q13.33.
Variant type: Deletion.
Coding change: c.699_700del on transcript NM_002103.5 (MANE Select); coding-DNA positions 699 to 700, 2 bases deleted (AG; older notation c.699_700delAG).
Protein change: p.Arg236fs; shifts the reading frame from arginine 236.
Molecular consequence: frameshift variant. On other transcripts: non-coding transcript variant (1).
Genome position (GRCh38, 1-based): chr19:48,985,584-48,985,585, CT deleted on the plus strand (AG on the coding strand, the reverse complement: GYS1 is on the minus strand). VCF-style (leftmost placement, unchanged base first): chr19-48985583-CCT-C. GRCh37 (hg19) VCF-style: chr19-49488840-CCT-C.
Other names: c.507_508del, p.Arg172fs (NM_001161587.2); short protein forms R172fs, R236fs.
Identifiers: ClinVar variation 1069149 (VCV001069149.7), dbSNP rs1345327745, ClinGen allele CA883054441.